The following is an entry in ClinVar:

NM_013336.4(SEC61A1):c.1318G>A (p.Ala440Thr)

Genes: RUVBL1 (RuvB like AAA ATPase 1; minus strand), SEC61A1 (SEC61 translocon subunit alpha 1; plus strand). Cytogenetic location: 3q21.3.
Variant type: single nucleotide variant.
Coding change: c.1318G>A on transcript NM_013336.4 (MANE Select); coding-DNA position 1318, G replaced by A.
Protein change: p.Ala440Thr; replaces alanine 440 with threonine.
Molecular consequence: missense variant. On other transcripts: intron variant (1).
Genome position (GRCh38, 1-based): chr3:128,069,549, G>A. VCF-style: chr3-128069549-G-A. GRCh37 (hg19) VCF-style: chr3-127788392-G-A.
Other names: c.1336G>A, p.Ala446Thr (NM_001400328.1); c.1159G>A, p.Ala387Thr (NM_001400329.1); c.940-4329C>T (NM_001319086.1); short protein forms A440T, A387T, A446T.
Identifiers: ClinVar variation 1434681 (VCV001434681.8), dbSNP rs752943775, ClinGen allele CA2598636.

ClinVar aggregate classification (germline): Uncertain significance (1 of 4 stars; one submission).

Allele frequency attached by ClinVar (database versions not stated): gnomAD exomes below 0.00001; ExAC 0.00001; gnomAD 0.00001.
gnomAD v4.1: 5 of 1,613,986 alleles (0.00031%); highest among the groups gnomAD compares: Admixed American, 0.0017%; no homozygotes.

Submission:

Labcorp Genetics (formerly Invitae), Labcorp
Classification: Uncertain significance. Last evaluated: 2024-11-18. Review status: criteria provided, single submitter. Criteria: Invitae Variant Classification Sherloc (09022015). Collection method: clinical testing. Allele origin: germline.
Comment: This sequence change replaces alanine, which is neutral and non-polar, with threonine, which is neutral and polar, at codon 440 of the SEC61A1 protein (p.Ala440Thr). This variant is present in population databases (rs752943775, gnomAD 0.0009%). This variant has not been reported in the literature in individuals affected with SEC61A1-related conditions. ClinVar contains an entry for this variant (Variation ID: 1434681). Invitae Evidence Modeling of protein sequence and biophysical properties (such as structural, functional, and spatial information, amino acid conservation, physicochemical variation, residue mobility, and thermodynamic stability) indicates that this missense variant is not expected to disrupt SEC61A1 protein function with a negative predictive value of 80%. In summary, the available evidence is currently insufficient to determine the role of this variant in disease. Therefore, it has been classified as a Variant of Uncertain Significance.